The following is an entry in ClinVar:

ClinVar aggregate classification (germline): Likely pathogenic (1 of 4 stars; one submission).

Conditions:
Tuberous sclerosis 2 (TSC2). Identifiers: Orphanet 805, MedGen C1860707, MONDO:0013199, OMIM 613254.

Submission:

Labcorp Genetics (formerly Invitae), Labcorp
Classification: Likely pathogenic for Tuberous sclerosis 2. Last evaluated: 2021-12-20. Review status: criteria provided, single submitter. Criteria: Invitae Variant Classification Sherloc (09022015). Collection method: clinical testing. Allele origin: germline.
Comment: This variant disrupts the p.Arg1200 amino acid residue in TSC2. Other variant(s) that disrupt this residue have been determined to be pathogenic (PMID: 8824881, 9463313, 18792920, 21332470, 22867869, 25039834, 28149746). This suggests that this residue is clinically significant, and that variants that disrupt this residue are likely to be disease-causing. In summary, the currently available evidence indicates that the variant is pathogenic, but additional data are needed to prove that conclusively. Therefore, this variant has been classified as Likely Pathogenic. Advanced modeling of protein sequence and biophysical properties (such as structural, functional, and spatial information, amino acid conservation, physicochemical variation, residue mobility, and thermodynamic stability) performed at Invitae indicates that this missense variant is expected to disrupt TSC2 protein function. This sequence change replaces arginine, which is basic and polar, with glycine, which is neutral and non-polar, at codon 1200 of the TSC2 protein (p.Arg1200Gly). This variant is not present in population databases (gnomAD no frequency). This missense change has been observed in individual(s) with TSC2-related conditions (Invitae).

Literature cited by the submitters: PubMed 8824881; PubMed 9463313; PubMed 18792920; PubMed 21332470; PubMed 22867869; PubMed 25039834; PubMed 28149746.

NM_000548.5(TSC2):c.3598C>G (p.Arg1200Gly)

Gene: TSC2 (TSC complex subunit 2; plus strand). Cytogenetic location: 16p13.3.
Variant type: single nucleotide variant.
Coding change: c.3598C>G on transcript NM_000548.5 (MANE Select); coding-DNA position 3598, C replaced by G.
Protein change: p.Arg1200Gly; replaces arginine 1200 with glycine.
Molecular consequence: missense variant.
Genome position (GRCh38, 1-based): chr16:2,080,365, C>G. VCF-style: chr16-2080365-C-G. GRCh37 (hg19) VCF-style: chr16-2130366-C-G.
Other names: c.3556C>G, p.Arg1186Gly (NM_001406668.1); c.3487C>G, p.Arg1163Gly (NM_001406670.1); c.3457C>G, p.Arg1153Gly (NM_001406671.1); c.3454C>G, p.Arg1152Gly (NM_001406673.1); c.3451C>G, p.Arg1151Gly (NM_001406675.1); c.3448C>G, p.Arg1150Gly (NM_001406676.1); c.3409C>G, p.Arg1137Gly (NM_001406677.1); c.3355C>G, p.Arg1119Gly (NM_001406678.1); and 18 more; short protein forms R1000G, R1003G, R1119G, R1153G, R1156G, R1200G, R956G, R999G.
Identifiers: ClinVar variation 2049812 (VCV002049812.4), dbSNP rs45438205, ClinGen allele CA394289708.
Genomic context (GRCh38, chr16:2,080,365, plus strand): 5'-AAGACGAACCTGGCGGCCTATGTGCCCCTGCTGACCCAGGGCTGGGCGGAGATCCTGGTC[C>G]GGAGGCCCACAGGTACTGGGCGGGGCTGGCCTGAGCGCCATCTTTCTGCCAGTCACCCAC-3'
Protein context (NP_000539.2, residues 1190-1210): LTQGWAEILV[Arg1200Gly]RPTGNTSWLM